The following is an entry in ClinVar:

NM_000092.5(COL4A4):c.2060C>T (p.Pro687Leu)

Gene: COL4A4 (collagen type IV alpha 4 chain; minus strand). Cytogenetic location: 2q36.3.
Variant type: single nucleotide variant.
Coding change: c.2060C>T on transcript NM_000092.5 (MANE Select); coding-DNA position 2060, C replaced by T.
Protein change: p.Pro687Leu; replaces proline 687 with leucine.
Molecular consequence: missense variant.
Genome position (GRCh38, 1-based): chr2:227,060,240, G>A on the plus strand (C>T on the coding strand, the complement: COL4A4 is on the minus strand). VCF-style: chr2-227060240-G-A. GRCh37 (hg19) VCF-style: chr2-227924956-G-A.
Other names: short protein forms P687L.
Identifiers: ClinVar variation 2140905 (VCV002140905.5), dbSNP rs776718481, ClinGen allele CA2144957.

ClinVar aggregate classification (germline): Conflicting classifications of pathogenicity. Review status: criteria provided, conflicting classifications (1 of 4 stars). 2 submissions from 2 submitters: Uncertain significance (1); Likely benign (1). Last evaluated 2025-06-12.

Allele frequency attached by ClinVar (database versions not stated): ExAC 0.00003; gnomAD 0.00007; TOPMed 0.00011.
gnomAD v4.1: 22 of 1,607,948 alleles (0.0014%); highest among the groups gnomAD compares: African/African-American, 0.015%; no homozygotes.

Submissions (2):

Labcorp Genetics (formerly Invitae), Labcorp
Classification: Likely benign. Last evaluated: 2025-06-12. Review status: criteria provided, single submitter. Criteria: Invitae Variant Classification Sherloc (09022015). Collection method: clinical testing. Allele origin: germline.

GeneDx
Classification: Uncertain significance. Last evaluated: 2023-03-01. Review status: criteria provided, single submitter. Criteria: GeneDx Variant Classification Process June 2021. Collection method: clinical testing. Allele origin: germline. Affected: yes.
Comment: In silico analysis supports that this missense variant has a deleterious effect on protein structure/function; Occurs in the triple helical domain at the X position in the canonical Gly-X-Y repeat; although this variant may have an effect on normal protein folding and function, missense substitution at the X position is not a common mechanism of disease; Has not been previously published as pathogenic or benign to our knowledge